The following is an entry in ClinVar:

ClinVar aggregate classification (germline): Uncertain significance. Review status: criteria provided, multiple submitters, no conflicts (2 of 4 stars). 2 submissions from 2 submitters: Uncertain significance (2). Last evaluated 2025-08-11.

Conditions:
Inborn genetic diseases. Identifiers: MedGen C0950123, MeSH D030342.
46,XY sex reversal 6. Also called: 46,XY GONADAL DYSGENESIS, PARTIAL OR COMPLETE, MAP3K1-RELATED; 46,XY SEX REVERSAL, PARTIAL OR COMPLETE, MAP3K1-RELATED. Identifiers: MedGen C3151064, MONDO:0013410, OMIM 613762.

gnomAD v4.1: 15 of 1,613,892 alleles (0.00093%); highest among the groups gnomAD compares: Non-Finnish European, 0.0013%; no homozygotes.

Submissions (2):

Ambry Genetics
Classification: Uncertain significance for Inborn genetic diseases. Last evaluated: 2025-08-11. Review status: criteria provided, single submitter. Criteria: Ambry Variant Classification Scheme 2023. Collection method: clinical testing. Allele origin: germline.

Labcorp Genetics (formerly Invitae), Labcorp
Classification: Uncertain significance for 46,XY sex reversal 6. Last evaluated: 2025-04-08. Review status: criteria provided, single submitter. Criteria: Invitae Variant Classification Sherloc (09022015). Collection method: clinical testing. Allele origin: germline.
Comment: This sequence change replaces arginine, which is basic and polar, with lysine, which is basic and polar, at codon 204 of the MAP3K1 protein (p.Arg204Lys). This variant is not present in population databases (gnomAD no frequency). This variant has not been reported in the literature in individuals affected with MAP3K1-related conditions. Invitae Evidence Modeling of protein sequence and biophysical properties (such as structural, functional, and spatial information, amino acid conservation, physicochemical variation, residue mobility, and thermodynamic stability) indicates that this missense variant is not expected to disrupt MAP3K1 protein function with a negative predictive value of 80%. In summary, the available evidence is currently insufficient to determine the role of this variant in disease. Therefore, it has been classified as a Variant of Uncertain Significance.

NM_005921.2(MAP3K1):c.611G>A (p.Arg204Lys)

Gene: MAP3K1 (mitogen-activated protein kinase kinase kinase 1; plus strand). Cytogenetic location: 5q11.2.
Variant type: single nucleotide variant.
Coding change: c.611G>A on transcript NM_005921.2 (MANE Select); coding-DNA position 611, G replaced by A.
Protein change: p.Arg204Lys; replaces arginine 204 with lysine.
Molecular consequence: missense variant.
Genome position (GRCh38, 1-based): chr5:56,856,728, G>A. VCF-style: chr5-56856728-G-A. GRCh37 (hg19) VCF-style: chr5-56152555-G-A.
Other names: short protein forms R204K.
Identifiers: ClinVar variation 4103172 (VCV004103172.2).
Genomic context (GRCh38, chr5:56,856,728, plus strand): 5'-TGATCAGGGAGAAACTGAAGGCAACCTGTATGCCAGCCTGGAAGCACGAATGGTTGGAAA[G>A]GAGAAATAGGCGAGGGCCTGTGGTAAGTGGCTATGGGTTACCAGTTATAAGGAAGAAAGC-3'
Protein context (NP_005912.1, residues 194-214): MPAWKHEWLE[Arg204Lys]RNRRGPVVVK